The following is an entry in ClinVar:

NM_201384.3(PLEC):c.3829A>G (p.Asn1277Asp)

Gene: PLEC (plectin; minus strand). Cytogenetic location: 8q24.3.
Variant type: single nucleotide variant.
Coding change: c.3829A>G on transcript NM_201384.3 (MANE Select); coding-DNA position 3829, A replaced by G.
Protein change: p.Asn1277Asp; replaces asparagine 1277 with aspartic acid.
Molecular consequence: missense variant.
Genome position (GRCh38, 1-based): chr8:143,927,263, T>C on the plus strand (A>G on the coding strand, the complement: PLEC is on the minus strand). VCF-style: chr8-143927263-T-C. GRCh37 (hg19) VCF-style: chr8-145001431-T-C.
Other names: c.3910A>G, p.Asn1304Asp (NM_000445.5, NM_001410941.1); c.3787A>G, p.Asn1263Asp (NM_201378.4); c.3763A>G, p.Asn1255Asp (NM_201379.3); c.4240A>G, p.Asn1414Asp (NM_201380.4); c.3733A>G, p.Asn1245Asp (NM_201381.3); c.3829A>G, p.Asn1277Asp (NM_201382.4); c.3841A>G, p.Asn1281Asp (NM_201383.3); short protein forms N1245D, N1255D, N1263D, N1277D, N1281D, N1304D, N1414D.
Identifiers: ClinVar variation 3749490 (VCV003749490.2).
Genomic context (GRCh38, chr8:143,927,263, plus strand): 5'-CTGGCAACGGTCCCGGACTTGGGGCCTGGTGCAGGCGGCTGGGCCTCACCTTGATGGCGT[T>C]GATGTACTGTTTCGCAAACCTCTGGCACTCCTCGACCTTCTCGCCGTGGCGCTCGATCTC-3'
Protein context (NP_958786.1, residues 1267-1287): ECQRFAKQYI[Asn1277Asp]AIKDYELQLV

ClinVar aggregate classification (germline): Uncertain significance (1 of 4 stars; one submission).

Conditions:
Epidermolysis bullosa simplex with nail dystrophy (EBS5D). Identifiers: MedGen C4225309, MONDO:0014661, OMIM 616487.
Autosomal recessive limb-girdle muscular dystrophy type 2Q (LGMDR17). Also called: MUSCULAR DYSTROPHY, LIMB-GIRDLE, AUTOSOMAL RECESSIVE 17. Identifiers: Orphanet 254361, MedGen C3150989, MONDO:0013390, OMIM 613723.
Epidermolysis bullosa simplex 5B, with muscular dystrophy (EBS5B). Also called: Epidermolysis bullosa simplex with muscular dystrophy; EPIDERMOLYSIS BULLOSA SIMPLEX AND LIMB-GIRDLE MUSCULAR DYSTROPHY. Identifiers: Orphanet 257, MedGen C2931072, MONDO:0009181, OMIM 226670.
Epidermolysis bullosa simplex 5C, with pyloric atresia (EBS5C). Also called: PLEC-Related Epidermolysis Bullosa with Pyloric Atresia; Epidermolysis bullosa simplex with pyloric atresia; PLEC1-Related Epidermolysis Bullosa with Pyloric Atresia. Identifiers: Orphanet 158684, MedGen C2677349, MONDO:0012807, OMIM 612138.
Epidermolysis bullosa simplex, Ogna type (EBS5A). Also called: Pidermolysis bullosa simplex 5A, Ogna type; EPIDERMOLYSIS BULLOSA SIMPLEX 5A, OGNA TYPE. Identifiers: Orphanet 79401, MedGen C0432317, MONDO:0007555, OMIM 131950.

gnomAD v4.1: 3 of 1,613,062 alleles (0.00019%); highest among the groups gnomAD compares: East Asian, 0.0022%; no homozygotes.

Submission:

Labcorp Genetics (formerly Invitae), Labcorp
Classification: Uncertain significance for Autosomal recessive limb-girdle muscular dystrophy type 2Q; Epidermolysis bullosa simplex, Ogna type; Epidermolysis bullosa simplex with nail dystrophy; Epidermolysis bullosa simplex 5C, with pyloric atresia; Epidermolysis bullosa simplex 5B, with muscular dystrophy. Last evaluated: 2025-07-15. Review status: criteria provided, single submitter. Criteria: Invitae Variant Classification Sherloc (09022015). Collection method: clinical testing. Allele origin: germline.
Comment: This sequence change replaces asparagine, which is neutral and polar, with aspartic acid, which is acidic and polar, at codon 1304 of the PLEC protein (p.Asn1304Asp). This variant is present in population databases (no rsID available, gnomAD 0.007%). This variant has not been reported in the literature in individuals affected with PLEC-related conditions. ClinVar contains an entry for this variant (Variation ID: 3749490). Invitae Evidence Modeling of protein sequence and biophysical properties (such as structural, functional, and spatial information, amino acid conservation, physicochemical variation, residue mobility, and thermodynamic stability) indicates that this missense variant is not expected to disrupt PLEC protein function with a negative predictive value of 80%. In summary, the available evidence is currently insufficient to determine the role of this variant in disease. Therefore, it has been classified as a Variant of Uncertain Significance.